The following is an entry in ClinVar:

ClinVar aggregate classification (germline): Pathogenic. Review status: criteria provided, multiple submitters, no conflicts (2 of 4 stars). 8 submissions from 8 submitters: Pathogenic (7). 1 of the submissions does not count toward it. Last evaluated 2026-08-04.

Conditions:
CLCN1-related disorder. Also called: CLCN1-related condition.
Congenital myotonia, autosomal dominant form (THD). Also called: THOMSEN DISEASE; Myotonia congenita autosomal dominant. Identifiers: Orphanet 614, MedGen C2936781, MONDO:0008055, OMIM 160800.
Congenital myotonia, autosomal recessive form. Also called: BECKER DISEASE; myotonia congenita, autosomal recessive; Becker Generalized Myotonia. Identifiers: Orphanet 614, MedGen C0751360, MONDO:0009715, OMIM 255700.
Batten-Turner congenital myopathy. Also called: Congenital myotonia; Myotonia congenita. Identifiers: Orphanet 206973, MedGen C0027127, MONDO:0100468, OMIM 255300.

Allele frequency attached by ClinVar (database versions not stated): gnomAD exomes below 0.00001; TOPMed below 0.00001; gnomAD 0.00001.
gnomAD v4.1: 3 of 1,614,076 alleles (0.00019%); highest among the groups gnomAD compares: African/African-American, 0.0013%; no homozygotes.

Submissions (8):

GeneDx
Classification: Pathogenic. Last evaluated: 2026-08-04. Review status: criteria provided, single submitter. Criteria: GeneDx Variant Classification Process June 2021. Collection method: clinical testing. Allele origin: germline.
Comment: Published functional studies demonstrate this variants alters open probability of the common gate via reduced opening rate (PMID: 12390967, 12566541); Not observed at significant frequency in large population cohorts (gnomAD); In silico analysis supports that this missense variant has a deleterious effect on protein structure/function; This variant is associated with the following publications: (PMID: 12390967, 15311340, 19949657, 38720415, Prado2020[CaseReport], 23893571, 15162127, 9566422, 12566541, 18263754, 33263785, 38270354, 34790634, 35170402, 24349310, 20301529, 32670189, 8857733, 8857727, 8571958)

Labcorp Genetics (formerly Invitae), Labcorp
Classification: Pathogenic for Congenital myotonia, autosomal recessive form; Congenital myotonia, autosomal dominant form. Last evaluated: 2025-01-15. Review status: criteria provided, single submitter. Criteria: Invitae Variant Classification Sherloc (09022015). Collection method: clinical testing. Allele origin: germline.
Comment: This sequence change replaces threonine, which is neutral and polar, with methionine, which is neutral and non-polar, at codon 310 of the CLCN1 protein (p.Thr310Met). This variant is not present in population databases (gnomAD no frequency). This missense change has been observed in individuals with autosomal dominant myotonia congenita (PMID: 12390967, 15311340, 19949657; internal data). This variant has been reported in individual(s) with autosomal recessive myotonia congenita (PMID: 18263754); however, the role of the variant in this condition is currently unclear. ClinVar contains an entry for this variant (Variation ID: 21051). Invitae Evidence Modeling of protein sequence and biophysical properties (such as structural, functional, and spatial information, amino acid conservation, physicochemical variation, residue mobility, and thermodynamic stability) indicates that this missense variant is expected to disrupt CLCN1 protein function with a positive predictive value of 80%. Experimental studies have shown that this missense change affects CLCN1 function (PMID: 12390967, 12566541). For these reasons, this variant has been classified as Pathogenic.

Fulgent Genetics
Classification: Pathogenic for Congenital myotonia, autosomal dominant form; Congenital myotonia, autosomal recessive form. Last evaluated: 2024-06-15. Review status: criteria provided, single submitter. Criteria: ACMG Guidelines, 2015. Collection method: clinical testing. Allele origin: germline.

Women's Health and Genetics/Laboratory Corporation of America, LabCorp
Classification: Pathogenic for Congenital myotonia, autosomal dominant form. Last evaluated: 2024-06-06. Review status: criteria provided, single submitter. Criteria: LabCorp Variant Classification Summary - May 2015. Collection method: clinical testing. Allele origin: germline.
Comment: Variant summary: CLCN1 c.929C>T (p.Thr310Met) results in a non-conservative amino acid change in the encoded protein sequence. Five of five in-silico tools predict a damaging effect of the variant on protein function. The variant allele was found at a frequency of 1.9e-06 in 1614076 control chromosomes. c.929C>T has been reported in the literature in the heterozygous state in multiple individuals affected with autosomal dominant myotonia (e.g. Wu_2002, Jacobsen_2024, Meyer_2020, Jou_2004, Bernard_2021, Vereb_2021, Moon_2009) and in the homozygous state in at least one individual with more severe symptoms of myotonia (e.g. Bernard_2021). These data indicate that the variant is very likely to be associated with disease. Experimental studies show that this variant impacts CIC-1 gating in vitro (e.g. Wu_2002, Duffield_2003). The following publications have been ascertained in the context of this evaluation (PMID: 18263754, 12566541, 38270354, 15311340, 32670189, 19949657, 33263785, 12390967). ClinVar contains an entry for this variant (Variation ID: 21051). Based on the evidence outlined above, the variant was classified as pathogenic in association with autosomal dominant myotonia.

Blueprint Genetics
Classification: Pathogenic for CLCN1-related disorders. Last evaluated: 2022-02-25. Review status: criteria provided, single submitter. Criteria: ACMG Guidelines, 2015. Collection method: clinical testing. Allele origin: germline. Affected: yes. Observed: 2 variant alleles.

Athena Diagnostics
Classification: Pathogenic. Last evaluated: 2016-05-03. Review status: criteria provided, single submitter. Criteria: Athena Diagnostics Criteria. Collection method: clinical testing. Allele origin: germline.

Neuberg Centre For Genomic Medicine, NCGM
Classification: Pathogenic for Congenital myotonia, autosomal recessive form. Review status: criteria provided, single submitter. Criteria: ACMG Guidelines, 2015. Collection method: clinical testing. Allele origin: germline. Affected: yes.
Comment: The missense variant p.T310M in CLCN1 (NM_000083.3) has been reported both in autosomal dominant as well as recessive myotonia congenita (Bernard G et al; Wu Fen-Fen et al).Functional studies suggest a damaging effect by affecting the opening rate (Duffield M et al). It has been submitted to ClinVar as Pathogenic. It is novel (not in any individuals) in gnomAD Exomes and 1000 Genome. The p.T310M missense variant is predicted to be damaging by both SIFT and PolyPhen2 and the residue is conserved across species. For these reasons, this variant has been classified as Pathogenic.

GeneReviews
No classification provided. Condition: Batten-Turner congenital myopathy. Review status: no classification provided. Collection method: literature only. Allele origin: germline. Not counted in ClinVar's aggregate classification.
Comment: Associated with autosomal recessive and autosomal dominant mode of inheritance

Literature cited by the submitters: PubMed 12390967 (cited by 3 submitters); PubMed 15311340 (cited by 3 submitters); PubMed 19949657 (cited by 3 submitters); PubMed 18263754 (cited by 4 submitters); PubMed 12566541 (cited by 3 submitters); PubMed 33263785 (cited by Women's Health and Genetics/Laboratory Corporation of America, LabCorp); PubMed 38270354 (cited by Women's Health and Genetics/Laboratory Corporation of America, LabCorp); PubMed 32670189 (cited by Women's Health and Genetics/Laboratory Corporation of America, LabCorp); PubMed 8857727 (cited by GeneReviews); PubMed 8571958 (cited by GeneReviews); PubMed 8857733 (cited by GeneReviews); PubMed 9566422 (cited by GeneReviews); PubMed 15162127 (cited by GeneReviews); PubMed 23893571 (cited by GeneReviews).

NM_000083.3(CLCN1):c.929C>T (p.Thr310Met)

Gene: CLCN1 (chloride voltage-gated channel 1; plus strand). Cytogenetic location: 7q34.
Variant type: single nucleotide variant.
Coding change: c.929C>T on transcript NM_000083.3 (MANE Select); coding-DNA position 929, C replaced by T.
Protein change: p.Thr310Met; replaces threonine 310 with methionine.
Molecular consequence: missense variant. On other transcripts: non-coding transcript variant (1).
Genome position (GRCh38, 1-based): chr7:143,330,847, C>T. VCF-style: chr7-143330847-C-T. GRCh37 (hg19) VCF-style: chr7-143027940-C-T.
Other names: short protein forms T310M.
Identifiers: ClinVar variation 21051 (VCV000021051.16), dbSNP rs80356691, ClinGen allele CA341559.